The following is an entry in ClinVar:

ClinVar aggregate classification (germline): Uncertain significance. Review status: criteria provided, multiple submitters, no conflicts (2 of 4 stars). 4 submissions from 4 submitters: Uncertain significance (4). Last evaluated 2025-09-04.

Conditions:
Inborn genetic diseases. Identifiers: MedGen C0950123, MeSH D030342.
Tyrosinase-positive oculocutaneous albinism (OCA2). Also called: Oculocutaneous albinism type 2; ALBINISM II; Albinism, oculocutaneous, type II. Identifiers: Orphanet 79432, MedGen C0268495, MONDO:0008746, OMIM 203200.

Allele frequency attached by ClinVar (database versions not stated): gnomAD exomes 0.00003 and 0.00007; TOPMed 0.00003; ExAC 0.00005; gnomAD 0.00005.
gnomAD v4.1: 55 of 1,613,850 alleles (0.0034%); highest among the groups gnomAD compares: South Asian, 0.021%; no homozygotes.

Submissions (4):

Ambry Genetics
Classification: Uncertain significance for Inborn genetic diseases. Last evaluated: 2025-09-04. Review status: criteria provided, single submitter. Criteria: Ambry Variant Classification Scheme 2023. Collection method: clinical testing. Allele origin: germline.

CeGaT Center for Human Genetics Tuebingen
Classification: Uncertain significance. Last evaluated: 2024-07-01. Review status: criteria provided, single submitter. Criteria: CeGaT Center For Human Genetics Tuebingen Variant Classification Criteria Version 2. Collection method: clinical testing. Allele origin: germline. Affected: yes. Observed: 2 variant alleles.
Comment: OCA2: PM2, BP4

Labcorp Genetics (formerly Invitae), Labcorp
Classification: Uncertain significance. Last evaluated: 2022-01-25. Review status: criteria provided, single submitter. Criteria: Invitae Variant Classification Sherloc (09022015). Collection method: clinical testing. Allele origin: germline.
Comment: This sequence change replaces arginine, which is basic and polar, with tryptophan, which is neutral and slightly polar, at codon 265 of the OCA2 protein (p.Arg265Trp). This variant is present in population databases (rs750298814, gnomAD 0.03%). This variant has not been reported in the literature in individuals affected with OCA2-related conditions. Advanced modeling of protein sequence and biophysical properties (such as structural, functional, and spatial information, amino acid conservation, physicochemical variation, residue mobility, and thermodynamic stability) performed at Invitae indicates that this missense variant is not expected to disrupt OCA2 protein function. In summary, the available evidence is currently insufficient to determine the role of this variant in disease. Therefore, it has been classified as a Variant of Uncertain Significance.

Department of Pathology and Laboratory Medicine, Sinai Health System
Classification: Uncertain significance for Tyrosinase-positive oculocutaneous albinism. Last evaluated: 2021-07-30. Review status: criteria provided, single submitter. Criteria: ACMG Guidelines, 2015. Collection method: research. Allele origin: germline.

NM_000275.3(OCA2):c.793C>T (p.Arg265Trp)

Gene: OCA2 (OCA2 melanosomal transmembrane protein; minus strand). Cytogenetic location: 15q13.1.
Variant type: single nucleotide variant.
Coding change: c.793C>T on transcript NM_000275.3 (MANE Select); coding-DNA position 793, C replaced by T.
Protein change: p.Arg265Trp; replaces arginine 265 with tryptophan.
Molecular consequence: missense variant.
Genome position (GRCh38, 1-based): chr15:28,018,411, G>A on the plus strand (C>T on the coding strand, the complement: OCA2 is on the minus strand). VCF-style: chr15-28018411-G-A. GRCh37 (hg19) VCF-style: chr15-28263557-G-A.
Other names: c.793C>T, p.Arg265Trp (NM_001300984.2); c.793C>T (NM_000275.2); short protein forms R265W.
Identifiers: ClinVar variation 1401260 (VCV001401260.25), dbSNP rs750298814, ClinGen allele CA7439357.